The following is an entry in ClinVar:

NM_018838.5(NDUFA12):c.278T>C (p.Met93Thr)

Gene: NDUFA12 (NADH:ubiquinone oxidoreductase subunit A12; minus strand). Cytogenetic location: 12q22.
Variant type: single nucleotide variant.
Coding change: c.278T>C on transcript NM_018838.5 (MANE Select); coding-DNA position 278, T replaced by C.
Protein change: p.Met93Thr; replaces methionine 93 with threonine.
Molecular consequence: missense variant. On other transcripts: stop lost (1).
Genome position (GRCh38, 1-based): chr12:94,971,600, A>G on the plus strand (T>C on the coding strand, the complement: NDUFA12 is on the minus strand). VCF-style: chr12-94971600-A-G. GRCh37 (hg19) VCF-style: chr12-95365376-A-G.
Other names: c.190T>C, p.Ter64Arg (NM_001258338.2); short protein forms M93T.
Identifiers: ClinVar variation 1033909 (VCV001033909.9), dbSNP rs140235371, ClinGen allele CA6722518.

ClinVar aggregate classification (germline): Uncertain significance. Review status: criteria provided, multiple submitters, no conflicts (2 of 4 stars). 3 submissions from 3 submitters: Uncertain significance (3). Last evaluated 2026-08-05.

Conditions:
Leigh syndrome (NULS). Also called: Leigh's syndrome; Leigh's necrotizing encephalopathy; Leigh's disease; Leigh Syndrome (mtDNA deletion); Leigh Disease; Subacute necrotizing encephalopathy. Identifiers: Orphanet 506, MedGen C2931891, MONDO:0009723, OMIM 256000.

Allele frequency attached by ClinVar (database versions not stated): ExAC 0.00015; gnomAD exomes 0.00016 and 0.00037; TOPMed 0.00022; gnomAD 0.00022 and 0.00023; ESP Exome Variant Server 0.00031.
gnomAD v4.1: 566 of 1,614,056 alleles (0.035%); highest among the groups gnomAD compares: Non-Finnish European, 0.046%; no homozygotes.

Submissions (3):

GeneDx
Classification: Uncertain significance. Last evaluated: 2026-08-05. Review status: criteria provided, single submitter. Criteria: GeneDx Variant Classification Process June 2021. Collection method: clinical testing. Allele origin: germline.
Comment: In silico analysis supports that this missense variant has a deleterious effect on protein structure/function; Has not been previously published as pathogenic or benign to our knowledge

Labcorp Genetics (formerly Invitae), Labcorp
Classification: Uncertain significance. Last evaluated: 2022-07-04. Review status: criteria provided, single submitter. Criteria: Invitae Variant Classification Sherloc (09022015). Collection method: clinical testing. Allele origin: germline.
Comment: This sequence change replaces methionine, which is neutral and non-polar, with threonine, which is neutral and polar, at codon 93 of the NDUFA12 protein (p.Met93Thr). This variant is present in population databases (rs140235371, gnomAD 0.03%). This variant has not been reported in the literature in individuals affected with NDUFA12-related conditions. ClinVar contains an entry for this variant (Variation ID: 1033909). Algorithms developed to predict the effect of missense changes on protein structure and function are either unavailable or do not agree on the potential impact of this missense change (SIFT: "Tolerated"; PolyPhen-2: "Possibly Damaging"; Align-GVGD: "Class C0"). In summary, the available evidence is currently insufficient to determine the role of this variant in disease. Therefore, it has been classified as a Variant of Uncertain Significance.

Baylor Genetics
Classification: Uncertain significance for Leigh syndrome. Last evaluated: 2018-03-01. Review status: criteria provided, single submitter. Criteria: ACMG Guidelines, 2015. Collection method: clinical testing. Allele origin: unknown. Affected: yes.
Comment: This variant was determined to be of uncertain significance according to ACMG Guidelines, 2015 [PMID:25741868].